The following is an entry in ClinVar:

NM_054012.4(ASS1):c.897_898del (p.Phe300fs)

Gene: ASS1 (argininosuccinate synthase 1; plus strand). Cytogenetic location: 9q34.11.
Variant type: Deletion.
Coding change: c.897_898del on transcript NM_054012.4 (MANE Select); coding-DNA positions 897 to 898, 2 bases deleted (CT; older notation c.897_898delCT).
Protein change: p.Phe300fs; shifts the reading frame from phenylalanine 300.
Molecular consequence: frameshift variant.
Genome position (GRCh38, 1-based): chr9:130,489,391-130,489,392, CT deleted. VCF-style (leftmost placement, unchanged base first): chr9-130489390-CCT-C. GRCh37 (hg19) VCF-style: chr9-133364777-CCT-C.
Other names: c.897_898del, p.Phe300fs (NM_000050.4); c.897_898delCT (NM_000050.4); short protein forms F300fs.
Identifiers: ClinVar variation 4688198 (VCV004688198.2).

ClinVar aggregate classification (germline): Pathogenic. Review status: criteria provided, multiple submitters, no conflicts (2 of 4 stars). 2 submissions from 2 submitters: Pathogenic (2). Last evaluated 2025-12-19.

Conditions:
Citrullinemia. Identifiers: Orphanet 187, MedGen C0175683, MONDO:0015991.
Citrullinemia type I (CTNL1). Also called: ASS DEFICIENCY; argininosuccinate synthetase deficiency. Identifiers: Orphanet 247525, MedGen C4721769, MONDO:0008988, OMIM 215700.

Submissions (2):

Women's Health and Genetics/Laboratory Corporation of America, LabCorp
Classification: Pathogenic for Citrullinemia. Last evaluated: 2025-12-19. Review status: criteria provided, single submitter. Criteria: LabCorp Variant Classification Summary - May 2015. Collection method: clinical testing. Allele origin: germline.
Comment: Variant summary: ASS1 c.897_898delCT (p.Phe300HisfsX19) results in a premature termination codon, predicted to cause absence of the protein due to nonsense mediated decay, which is a commonly known mechanism for disease. The variant was absent in 251456 control chromosomes. To our knowledge, no occurrence of c.897_898delCT in individuals affected with ASS1-related conditions and no experimental evidence demonstrating its impact on protein function have been reported. No submitters have cited clinical-significance assessments for this variant to ClinVar. Based on the evidence outlined above, the variant was classified as pathogenic.

Myriad Genetics, Inc.
Classification: Pathogenic for Citrullinemia type I. Last evaluated: 2025-10-16. Review status: criteria provided, single submitter. Criteria: Myriad Autosomal Dominant, Autosomal Recessive and X-Linked Classification Criteria (2023). Collection method: clinical testing. Allele origin: unknown.
Comment: NM_000050.4(ASS1):c.897_898delCT(F300Hfs*19) is a frameshift variant classified as pathogenic in the context of citrullinemia type 1. F300Hfs*19 has not been observed in cases with relevant disease. Relevant functional assessments of this variant are not available in the literature. F300Hfs*19 has not been observed in referenced population frequency databases. In summary, NM_000050.4(ASS1):c.897_898delCT(F300Hfs*19) is a frameshift variant in a gene where loss of function is a known mechanism of disease and is predicted to disrupt protein function. Please note: this variant was assessed in the context of healthy population screening.